The following is an entry in ClinVar:

NM_178012.5(TUBB2B):c.776C>T (p.Pro259Leu)

Gene: TUBB2B (tubulin beta 2B class IIb; minus strand). Cytogenetic location: 6p25.2.
Variant type: single nucleotide variant.
Coding change: c.776C>T on transcript NM_178012.5 (MANE Select); coding-DNA position 776, C replaced by T.
Protein change: p.Pro259Leu; replaces proline 259 with leucine.
Molecular consequence: missense variant.
Genome position (GRCh38, 1-based): chr6:3,225,313, G>A on the plus strand (C>T on the coding strand, the complement: TUBB2B is on the minus strand). VCF-style: chr6-3225313-G-A. GRCh37 (hg19) VCF-style: chr6-3225547-G-A.
Other names: short protein forms P259L.
Identifiers: ClinVar variation 1708143 (VCV001708143.2), dbSNP rs2533617345, ClinGen allele CA362586989.

ClinVar aggregate classification (germline): Pathogenic. Review status: criteria provided, multiple submitters, no conflicts (2 of 4 stars). 2 submissions from 2 submitters: Pathogenic (2). Last evaluated 2023-12-01.

Conditions:
Congenital bilateral perisylvian syndrome. Also called: Bilateral perisylvian polymicrogyria; Perisylvian syndrome. Identifiers: Orphanet 98889, MedGen C1845668, MONDO:0020340, HP:0032407.
Complex cortical dysplasia with other brain malformations 7. Identifiers: Orphanet 300573, MedGen C3552236, MONDO:0012399, OMIM 610031.

Submissions (2):

Center for Statistical Genetics, Columbia University
Classification: Pathogenic for Congenital bilateral perisylvian syndrome. Last evaluated: 2023-12-01. Review status: criteria provided, single submitter. Criteria: ACMG Guidelines, 2015. Collection method: research. Allele origin: de novo. Affected: yes.

Laboratory of Medical Genetics, National & Kapodistrian University of Athens
Classification: Pathogenic for Complex cortical dysplasia with other brain malformations 7. Last evaluated: 2022-04-05. Review status: criteria provided, single submitter. Criteria: ACMG Guidelines, 2015. Collection method: clinical testing. Allele origin: de novo. Affected: yes.
Comment: PS2, PM2, PP2, PP3